The following is an entry in ClinVar:

ClinVar aggregate classification (germline): Uncertain significance (1 of 4 stars; one submission).

Conditions:
Epidermodysplasia verruciformis. Identifiers: Orphanet 302, MedGen C0014522, MONDO:0009176.

Allele frequency attached by ClinVar (database versions not stated): gnomAD exomes below 0.00001.

Submission:

Labcorp Genetics (formerly Invitae), Labcorp
Classification: Uncertain significance for Epidermodysplasia verruciformis. Last evaluated: 2020-03-17. Review status: criteria provided, single submitter. Criteria: Invitae Variant Classification Sherloc (09022015). Collection method: clinical testing. Allele origin: germline.
Comment: In summary, the available evidence is currently insufficient to determine the role of this variant in disease. Therefore, it has been classified as a Variant of Uncertain Significance. Algorithms developed to predict the effect of missense changes on protein structure and function are either unavailable or do not agree on the potential impact of this missense change (SIFT: "Not Available"; PolyPhen-2: "Possibly Damaging"; Align-GVGD: "Not Available"). This variant has not been reported in the literature in individuals with TMC6-related conditions. This variant is not present in population databases (ExAC no frequency). This sequence change replaces leucine with phenylalanine at codon 250 of the TMC6 protein (p.Leu250Phe). The leucine residue is moderately conserved and there is a small physicochemical difference between leucine and phenylalanine.

NM_001127198.5(TMC6):c.748C>T (p.Leu250Phe)

Gene: TMC6 (transmembrane channel like 6; minus strand). Cytogenetic location: 17q25.3.
Variant type: single nucleotide variant.
Coding change: c.748C>T on transcript NM_001127198.5 (MANE Select); coding-DNA position 748, C replaced by T.
Protein change: p.Leu250Phe; replaces leucine 250 with phenylalanine.
Molecular consequence: missense variant.
Genome position (GRCh38, 1-based): chr17:78,124,667, G>A on the plus strand (C>T on the coding strand, the complement: TMC6 is on the minus strand). VCF-style: chr17-78124667-G-A. GRCh37 (hg19) VCF-style: chr17-76120748-G-A.
Other names: c.748C>T, p.Leu250Phe (NM_001321185.1, NM_001374593.1, NM_001374594.1 and 4 more transcripts); short protein forms L250F.
Identifiers: ClinVar variation 1035601 (VCV001035601.7), dbSNP rs2074604879, ClinGen allele CA401232754.